The following is an entry in ClinVar:

NM_016648.4(LARP7):c.1727T>C (p.Ile576Thr)

Gene: LARP7 (La ribonucleoprotein 7, transcriptional regulator; plus strand). Cytogenetic location: 4q25.
Variant type: single nucleotide variant.
Coding change: c.1727T>C on transcript NM_016648.4 (MANE Select); coding-DNA position 1727, T replaced by C.
Protein change: p.Ile576Thr; replaces isoleucine 576 with threonine.
Molecular consequence: missense variant.
Genome position (GRCh38, 1-based): chr4:112,657,305, T>C. VCF-style: chr4-112657305-T-C. GRCh37 (hg19) VCF-style: chr4-113578461-T-C.
Other names: c.1727T>C, p.Ile576Thr (NM_015454.3, NM_001267039.4, NM_001370978.1); c.1766T>C, p.Ile589Thr (NM_001370974.1, NM_001370975.1); c.1763T>C, p.Ile588Thr (NM_001370976.1, NM_001370977.1); c.1724T>C, p.Ile575Thr (NM_001370979.1, NM_001370980.1); c.1490T>C, p.Ile497Thr (NM_001370981.1, NM_001370982.1); short protein forms I497T, I575T, I576T, I588T, I589T.
Identifiers: ClinVar variation 4282167 (VCV004282167.1).
Genomic context (GRCh38, chr4:112,657,305, plus strand): 5'-AGTTAATCACCAAAGCTGAAAAGATTAGACTGGCAAAGACTCAACAAGCGAGTAAACATA[T>C]AAGATTTTCTGAATATGATTGAAAAAAAAAACAGTTCACCTCTTAATACTTCACAAGATA-3'
Protein context (NP_057732.2, residues 566-582): LAKTQQASKH[Ile576Thr]RFSEYD

ClinVar aggregate classification (germline): Uncertain significance (1 of 4 stars; one submission).

gnomAD v4.1: 8 of 1,585,402 alleles (0.0005%); highest among the groups gnomAD compares: African/African-American, 0.0068%; no homozygotes.

Submission:

GeneDx
Classification: Uncertain significance. Last evaluated: 2025-04-17. Review status: criteria provided, single submitter. Criteria: GeneDx Variant Classification Process June 2021. Collection method: clinical testing. Allele origin: germline. Affected: yes.
Comment: Not observed at significant frequency in large population cohorts (gnomAD); In silico analysis supports that this missense variant has a deleterious effect on protein structure/function; Has not been previously published as pathogenic or benign to our knowledge